The following is an entry in ClinVar:

ClinVar aggregate classification (germline): Uncertain significance (1 of 4 stars; one submission).

Conditions:
WDR44-related neurodevelopmental disorder.

Submission:

3billion
Classification: Uncertain significance for WDR44-related neurodevelopmental disorder. Last evaluated: 2024-12-24. Review status: criteria provided, single submitter. Criteria: ACMG Guidelines, 2015. Collection method: clinical testing. Allele origin: germline. Affected: yes.
Comment: The variant is not observed in the gnomAD v4.1.0 dataset. Predicted Consequence/Location: Missense variant Therefore, this variant is classified as VUS according to the recommendation of ACMG/AMP guideline.

NM_019045.5(WDR44):c.1823C>G (p.Ala608Gly)

Gene: WDR44 (WD repeat domain 44; plus strand). Cytogenetic location: Xq24.
Variant type: single nucleotide variant.
Coding change: c.1823C>G on transcript NM_019045.5 (MANE Select); coding-DNA position 1823, C replaced by G.
Protein change: p.Ala608Gly; replaces alanine 608 with glycine.
Molecular consequence: missense variant.
Genome position (GRCh38, 1-based): chrX:118,432,866, C>G. VCF-style: chrX-118432866-C-G. GRCh37 (hg19) VCF-style: chrX-117566829-C-G.
Other names: c.1823C>G, p.Ala608Gly (NM_001184965.2); c.1748C>G, p.Ala583Gly (NM_001184966.1); short protein forms A583G, A608G.
Identifiers: ClinVar variation 4293518 (VCV004293518.1).